The following is an entry in ClinVar:

NM_001165963.4(SCN1A):c.4512G>C (p.Gln1504His)

Genes: SCN1A (sodium voltage-gated channel alpha subunit 1; minus strand), LOC102724058 (uncharacterized LOC102724058; plus strand). Cytogenetic location: 2q24.3.
Variant type: single nucleotide variant.
Coding change: c.4512G>C on transcript NM_001165963.4 (MANE Select); coding-DNA position 4512, G replaced by C.
Protein change: p.Gln1504His; replaces glutamine 1504 with histidine.
Molecular consequence: missense variant. On other transcripts: non-coding transcript variant (1).
Genome position (GRCh38, 1-based): chr2:165,996,082, C>G on the plus strand (G>C on the coding strand, the complement: SCN1A is on the minus strand). VCF-style: chr2-165996082-C-G. GRCh37 (hg19) VCF-style: chr2-166852592-C-G.
Other names: c.4428G>C, p.Gln1476His (NM_001165964.3, NM_001353957.2, NM_001353958.2); c.4512G>C, p.Gln1504His (NM_001202435.3, NM_001353948.2); c.4479G>C, p.Gln1493His (NM_001353949.2, NM_001353950.2, NM_001353951.2 and 2 more transcripts); c.4476G>C, p.Gln1492His (NM_001353954.2, NM_001353955.2); c.4425G>C, p.Gln1475His (NM_001353960.2); c.2070G>C, p.Gln690His (NM_001353961.2); short protein forms Q1493H, Q1504H, Q1475H, Q1476H, Q690H, Q1492H.
Identifiers: ClinVar variation 580452 (VCV000580452.10), dbSNP rs1559114837, ClinGen allele CA349048775.
Genomic context (GRCh38, chr2:165,996,082, plus strand): 5'-AGGTATAGGCTTTTGCGGTTTTTTCGATCCTAATTTTTTCATTGCATTATAGTATTTCTT[C>G]TGTTCTTCTGTCATAAAGATGTCTTGACCTCCAAAGTATAGAAAAGAAAAATCAAACTGG-3'
Protein context (NP_001159435.1, residues 1494-1514): GGQDIFMTEE[Gln1504His]KKYYNAMKKL

ClinVar aggregate classification (germline): Pathogenic (1 of 4 stars; one submission).

Conditions:
Early-infantile DEE. Also called: Early infantile epileptic encephalopathy with suppression bursts; Early infantile epileptic encephalopathy; Ohtahara syndrome. Identifiers: Orphanet 1934, MedGen C0393706, MONDO:0800491.

Submission:

Labcorp Genetics (formerly Invitae), Labcorp
Classification: Pathogenic for Early-infantile DEE. Last evaluated: 2022-11-15. Review status: criteria provided, single submitter. Criteria: Invitae Variant Classification Sherloc (09022015). Collection method: clinical testing. Allele origin: germline.
Comment: This variant disrupts the p.Gln1504 amino acid residue in SCN1A. Other variant(s) that disrupt this residue have been determined to be pathogenic (PMID: 31009440; Invitae). This suggests that this residue is clinically significant, and that variants that disrupt this residue are likely to be disease-causing. For these reasons, this variant has been classified as Pathogenic. Advanced modeling of protein sequence and biophysical properties (such as structural, functional, and spatial information, amino acid conservation, physicochemical variation, residue mobility, and thermodynamic stability) performed at Invitae indicates that this missense variant is expected to disrupt SCN1A protein function. This sequence change replaces glutamine, which is neutral and polar, with histidine, which is basic and polar, at codon 1504 of the SCN1A protein (p.Gln1504His). This variant is not present in population databases (gnomAD no frequency). This missense change has been observed in individual(s) with clinical features of Dravet syndrome (Invitae). ClinVar contains an entry for this variant (Variation ID: 580452).

Literature cited by the submitters: PubMed 31009440.